The following is an entry in ClinVar:

NM_001099403.2(PRDM8):c.172A>G (p.Ile58Val)

Gene: PRDM8 (PR/SET domain 8; plus strand). Cytogenetic location: 4q21.21.
Variant type: single nucleotide variant.
Coding change: c.172A>G on transcript NM_001099403.2 (MANE Select); coding-DNA position 172, A replaced by G.
Protein change: p.Ile58Val; replaces isoleucine 58 with valine.
Molecular consequence: missense variant.
Genome position (GRCh38, 1-based): chr4:80,200,252, A>G. VCF-style: chr4-80200252-A-G. GRCh37 (hg19) VCF-style: chr4-81121406-A-G.
Other names: c.172A>G, p.Ile58Val (NM_020226.4); short protein forms I58V.
Identifiers: ClinVar variation 2147318 (VCV002147318.4), dbSNP rs377451338, ClinGen allele CA2982143.

ClinVar aggregate classification (germline): Uncertain significance (1 of 4 stars; one submission).

Conditions:
Early-onset Lafora body disease. Also called: Epilepsy, progressive myoclonic, 10. Identifiers: Orphanet 324290, MedGen C4225258, MONDO:0014717, OMIM 616640.

Allele frequency attached by ClinVar (database versions not stated): gnomAD exomes 0.00001; ExAC 0.00002; gnomAD 0.00003; TOPMed 0.00003; ESP Exome Variant Server 0.00008.
gnomAD v4.1: 16 of 1,614,058 alleles (0.00099%); highest among the groups gnomAD compares: South Asian, 0.0022%; no homozygotes.

Submission:

Labcorp Genetics (formerly Invitae), Labcorp
Classification: Uncertain significance for Early-onset Lafora body disease. Last evaluated: 2025-12-15. Review status: criteria provided, single submitter. Criteria: Invitae Variant Classification Sherloc (09022015). Collection method: clinical testing. Allele origin: germline.
Comment: This sequence change replaces isoleucine, which is neutral and non-polar, with valine, which is neutral and non-polar, at codon 58 of the PRDM8 protein (p.Ile58Val). This variant is present in population databases (rs377451338, gnomAD 0.006%). This variant has not been reported in the literature in individuals affected with PRDM8-related conditions. ClinVar contains an entry for this variant (Variation ID: 2147318). Invitae Evidence Modeling of protein sequence and biophysical properties (such as structural, functional, and spatial information, amino acid conservation, physicochemical variation, residue mobility, and thermodynamic stability) indicates that this missense variant is not expected to disrupt PRDM8 protein function with a negative predictive value of 80%. In summary, the available evidence is currently insufficient to determine the role of this variant in disease. Therefore, it has been classified as a Variant of Uncertain Significance.